The following is an entry in ClinVar:

ClinVar aggregate classification (germline): Pathogenic. Review status: criteria provided, multiple submitters, no conflicts (2 of 4 stars). 2 submissions from 2 submitters: Pathogenic (2). Last evaluated 2024-05-28.

Conditions:
Hereditary cancer-predisposing syndrome. Also called: Hereditary neoplastic syndrome; Hereditary Cancer Syndrome; Neoplastic Syndromes, Hereditary; Tumor predisposition. Identifiers: Orphanet 140162, MedGen C0027672, MeSH D009386, MONDO:0015356.
Fanconi anemia (FA). Also called: Fanconi's anemia. Identifiers: Orphanet 84, MedGen C0015625, MeSH D005199, MONDO:0019391.

Submissions (2):

Ambry Genetics
Classification: Pathogenic for Hereditary cancer-predisposing syndrome. Last evaluated: 2024-05-28. Review status: criteria provided, single submitter. Criteria: Ambry Variant Classification Scheme 2023. Collection method: clinical testing. Allele origin: germline.
Comment: The p.W403* pathogenic mutation (also known as c.1209G>A), located in coding exon 12 of the FANCC gene, results from a G to A substitution at nucleotide position 1209. This changes the amino acid from a tryptophan to a stop codon within coding exon 12. This variant is considered to be rare based on population cohorts in the Genome Aggregation Database (gnomAD). This alteration is expected to result in loss of function by premature protein truncation or nonsense-mediated mRNA decay. As such, this alteration is interpreted as a disease-causing mutation.

Labcorp Genetics (formerly Invitae), Labcorp
Classification: Pathogenic for Fanconi anemia. Last evaluated: 2023-10-28. Review status: criteria provided, single submitter. Criteria: Invitae Variant Classification Sherloc (09022015). Collection method: clinical testing. Allele origin: germline.
Comment: This sequence change creates a premature translational stop signal (p.Trp403*) in the FANCC gene. It is expected to result in an absent or disrupted protein product. Loss-of-function variants in FANCC are known to be pathogenic (PMID: 17924555). This variant is not present in population databases (gnomAD no frequency). This variant has not been reported in the literature in individuals affected with FANCC-related conditions. For these reasons, this variant has been classified as Pathogenic.

Literature cited by the submitters: PubMed 17924555 (cited by Labcorp Genetics (formerly Invitae), Labcorp).

NM_000136.3(FANCC):c.1209G>A (p.Trp403Ter)

Genes: AOPEP (aminopeptidase O (putative); plus strand), FANCC (FA complementation group C; minus strand). Cytogenetic location: 9q22.32.
Variant type: single nucleotide variant.
Coding change: c.1209G>A on transcript NM_000136.3 (MANE Select); coding-DNA position 1209, G replaced by A.
Protein change: p.Trp403Ter; replaces tryptophan 403 with a stop codon.
Molecular consequence: nonsense.
Genome position (GRCh38, 1-based): chr9:95,111,583, C>T on the plus strand (G>A on the coding strand, the complement: FANCC is on the minus strand). VCF-style: chr9-95111583-C-T. GRCh37 (hg19) VCF-style: chr9-97873865-C-T.
Other names: c.1209G>A, p.Trp403Ter (NM_001243743.2, NM_001243744.2); short protein forms W403*.
Identifiers: ClinVar variation 2772495 (VCV002772495.4), dbSNP rs2134550524, ClinGen allele CA374107467.